The following is an entry in ClinVar:

ClinVar aggregate classification (germline): Uncertain significance (1 of 4 stars; one submission).

Conditions:
Muscular dystrophy-dystroglycanopathy (congenital with impaired intellectual development), type B, 1. Also called: Muscular dystrophy-dystroglycanopathy (congenital with intellectual disability), type B1; MUSCULAR DYSTROPHY, CONGENITAL, POMT1-RELATED. Identifiers: MedGen C5436962, MONDO:0013159, OMIM 613155.
Autosomal recessive limb-girdle muscular dystrophy type 2K. Also called: MUSCULAR DYSTROPHY-DYSTROGLYCANOPATHY (LIMB-GIRDLE), TYPE C, 1; MUSCULAR DYSTROPHY, LIMB-GIRDLE, TYPE 2K. Identifiers: Orphanet 86812, MedGen C1836373, MONDO:0012248, OMIM 609308.
Walker-Warburg congenital muscular dystrophy. Also called: Muscular dystrophy-dystroglycanopathy, type A; Walker-Warburg syndrome. Identifiers: Orphanet 899, MedGen C0265221, MONDO:0000171.

gnomAD v4.1: 2 of 1,610,930 alleles (0.00012%); no homozygotes.

Submission:

Labcorp Genetics (formerly Invitae), Labcorp
Classification: Uncertain significance for Congenital muscular dystrophy-dystroglycanopathy with mental retardation, type B1; Walker-Warburg congenital muscular dystrophy; Limb-girdle muscular dystrophy-dystroglycanopathy, type C1. Last evaluated: 2018-12-28. Review status: criteria provided, single submitter. Criteria: Invitae Variant Classification Sherloc (09022015). Collection method: clinical testing. Allele origin: germline.
Comment: This sequence change replaces aspartic acid with tyrosine at codon 723 of the POMT1 protein (p.Asp723Tyr). The aspartic acid residue is moderately conserved and there is a large physicochemical difference between aspartic acid and tyrosine. This variant is present in population databases (rs771877812, ExAC 0.02%). This variant has not been reported in the literature in individuals with POMT1-related conditions. Algorithms developed to predict the effect of missense changes on protein structure and function are either unavailable or do not agree on the potential impact of this missense change (SIFT: "Tolerated"; PolyPhen-2: "Possibly Damaging"; Align-GVGD: "Class C0"). Algorithms developed to predict the effect of sequence changes on RNA splicing suggest that this variant may create or strengthen a splice site, but this prediction has not been confirmed by published transcriptional studies. In summary, the available evidence is currently insufficient to determine the role of this variant in disease. Therefore, it has been classified as a Variant of Uncertain Significance.

NM_001077365.2(POMT1):c.2101G>T (p.Asp701Tyr)

Gene: POMT1 (protein O-mannosyltransferase 1; plus strand). Cytogenetic location: 9q34.13.
Variant type: single nucleotide variant.
Coding change: c.2101G>T on transcript NM_001077365.2 (MANE Select); coding-DNA position 2101, G replaced by T.
Protein change: p.Asp701Tyr; replaces aspartic acid 701 with tyrosine.
Molecular consequence: missense variant. On other transcripts: non-coding transcript variant (10).
Genome position (GRCh38, 1-based): chr9:131,523,029, G>T. VCF-style: chr9-131523029-G-T. GRCh37 (hg19) VCF-style: chr9-134398416-G-T.
Other names: c.1939G>T, p.Asp647Tyr (NM_001077366.2, NM_001353194.2); c.2101G>T, p.Asp701Tyr (NM_001136113.2); c.1750G>T, p.Asp584Tyr (NM_001136114.2, NM_001353195.2, NM_001374691.1 and 2 more transcripts); c.2167G>T, p.Asp723Tyr (NM_001353193.2, NM_007171.4); c.2011G>T, p.Asp671Tyr (NM_001353196.2); c.2005G>T, p.Asp669Tyr (NM_001353197.2, NM_001353198.2); c.1816G>T, p.Asp606Tyr (NM_001353199.2); c.1645G>T, p.Asp549Tyr (NM_001353200.2); and 3 more; short protein forms D647Y, D669Y, D723Y, D549Y, D584Y, D606Y, D671Y, D701Y.
Identifiers: ClinVar variation 655812 (VCV000655812.1), dbSNP rs771877812, ClinGen allele CA5293939.
Genomic context (GRCh38, chr9:131,523,029, plus strand): 5'-GTGGCCTGGTACTCCTCCGCGTGCCACGTGTCCAACACGCTGCGCCCACTCACCTACGGG[G>T]ACAAGTCACTCTCGCCACATGAACTCAAGGCCCTTCGCTGGAAAGACAGCTGGGACATCT-3'
Protein context (NP_001070833.1, residues 691-711): SNTLRPLTYG[Asp701Tyr]KSLSPHELKA